The following is an entry in ClinVar:

ClinVar aggregate classification (germline): Uncertain significance (1 of 4 stars; one submission).

Allele frequency attached by ClinVar (database versions not stated): gnomAD 0.00001; TOPMed 0.00001; gnomAD exomes 0.00002 and 0.00004; ExAC 0.00007.
gnomAD v4.1: 30 of 1,613,076 alleles (0.0019%); highest among the groups gnomAD compares: Middle Eastern, 0.016%; no homozygotes.

Submission:

Labcorp Genetics (formerly Invitae), Labcorp
Classification: Uncertain significance. Last evaluated: 2022-08-16. Review status: criteria provided, single submitter. Criteria: Invitae Variant Classification Sherloc (09022015). Collection method: clinical testing. Allele origin: germline.
Comment: This sequence change replaces glutamic acid, which is acidic and polar, with glycine, which is neutral and non-polar, at codon 1238 of the PCLO protein (p.Glu1238Gly). This variant is present in population databases (rs768617569, gnomAD 0.007%). This variant has not been reported in the literature in individuals affected with PCLO-related conditions. ClinVar contains an entry for this variant (Variation ID: 1520189). Algorithms developed to predict the effect of missense changes on protein structure and function output the following: SIFT: "Tolerated"; PolyPhen-2: "Not Available"; Align-GVGD: "Class C0". The glycine amino acid residue is found in multiple mammalian species, which suggests that this missense change does not adversely affect protein function. In summary, the available evidence is currently insufficient to determine the role of this variant in disease. Therefore, it has been classified as a Variant of Uncertain Significance.

NM_033026.6(PCLO):c.3713A>G (p.Glu1238Gly)

Gene: PCLO (piccolo presynaptic cytomatrix protein; minus strand). Cytogenetic location: 7q21.11.
Variant type: single nucleotide variant.
Coding change: c.3713A>G on transcript NM_033026.6 (MANE Select); coding-DNA position 3713, A replaced by G.
Protein change: p.Glu1238Gly; replaces glutamic acid 1238 with glycine.
Molecular consequence: missense variant.
Genome position (GRCh38, 1-based): chr7:82,966,075, T>C on the plus strand (A>G on the coding strand, the complement: PCLO is on the minus strand). VCF-style: chr7-82966075-T-C. GRCh37 (hg19) VCF-style: chr7-82595391-T-C.
Other names: c.3713A>G, p.Glu1238Gly (NM_014510.3); short protein forms E1238G.
Identifiers: ClinVar variation 1520189 (VCV001520189.3), dbSNP rs768617569, ClinGen allele CA4320977.
Genomic context (GRCh38, chr7:82,966,075, plus strand): 5'-TCTGGGGCTGATGTTTTTGCCTCTGGGAGTAGCTTTTTGTCTTCAGGGGTTGGCTTTTTT[T>C]CTTCTAGGAGTGGCTTTTTTTCTTCAGAACGTATCTTTTCTTCTTCAGGGATTAGTTTTT-3'
Protein context (NP_149015.2, residues 1228-1248): RSEEKKPLLE[Glu1238Gly]KKPTPEDKKL